The following is an entry in ClinVar:

ClinVar aggregate classification (germline): Uncertain significance (1 of 4 stars; one submission).

Allele frequency attached by ClinVar (database versions not stated): gnomAD exomes below 0.00001.

Submission:

Labcorp Genetics (formerly Invitae), Labcorp
Classification: Uncertain significance. Last evaluated: 2024-07-17. Review status: criteria provided, single submitter. Criteria: Invitae Variant Classification Sherloc (09022015). Collection method: clinical testing. Allele origin: germline.
Comment: This sequence change replaces glutamine, which is neutral and polar, with glutamic acid, which is acidic and polar, at codon 224 of the NRIP1 protein (p.Gln224Glu). This variant is present in population databases (no rsID available, gnomAD 0.006%). This variant has not been reported in the literature in individuals affected with NRIP1-related conditions. An algorithm developed to predict the effect of missense changes on protein structure and function (PolyPhen-2) suggests that this variant is likely to be disruptive. In summary, the available evidence is currently insufficient to determine the role of this variant in disease. Therefore, it has been classified as a Variant of Uncertain Significance.

NM_003489.4(NRIP1):c.670C>G (p.Gln224Glu)

Gene: NRIP1 (nuclear receptor interacting protein 1; minus strand). Cytogenetic location: 21q11.2.
Variant type: single nucleotide variant.
Coding change: c.670C>G on transcript NM_003489.4 (MANE Select); coding-DNA position 670, C replaced by G.
Protein change: p.Gln224Glu; replaces glutamine 224 with glutamic acid.
Molecular consequence: missense variant.
Genome position (GRCh38, 1-based): chr21:14,967,523, G>C on the plus strand (C>G on the coding strand, the complement: NRIP1 is on the minus strand). VCF-style: chr21-14967523-G-C. GRCh37 (hg19) VCF-style: chr21-16339844-G-C.
Other names: short protein forms Q224E.
Identifiers: ClinVar variation 2797338 (VCV002797338.3), dbSNP rs1398467078, ClinGen allele CA409831790.